The following is an entry in ClinVar:

ClinVar aggregate classification (germline): Pathogenic. Review status: reviewed by expert panel (3 of 4 stars). 11 submissions from 11 submitters: Pathogenic (1). 10 of the submissions do not count toward it. Last evaluated 2016-09-08.

Conditions:
Breast and/or ovarian cancer. Identifiers: MedGen CN221562.
Hereditary cancer-predisposing syndrome. Also called: Tumor predisposition; Neoplastic Syndromes, Hereditary; Hereditary Cancer Syndrome; Hereditary neoplastic syndrome. Identifiers: Orphanet 140162, MedGen C0027672, MeSH D009386, MONDO:0015356.
Hereditary breast ovarian cancer syndrome. Also called: Hereditary breast and ovarian cancer syndrome (HBOC); Hereditary breast and ovarian cancer syndrome; Hereditary breast and ovarian cancer; Hereditary breast and/or ovarian cancer syndrome; Breast and ovarian cancer; BRCA1- and BRCA2-Associated Hereditary Breast and Ovarian Cancer. Identifiers: Orphanet 145, MedGen C0677776, MeSH D061325, MONDO:0003582. Disease mechanism: loss of function.
Breast-ovarian cancer, familial, susceptibility to, 1 (BROVCA1). Also called: OVARIAN CANCER, SUSCEPTIBILITY TO; BRCA1 Hereditary Breast and Ovarian Cancer. Identifiers: Orphanet 145, MedGen C2676676, MONDO:0011450, OMIM 604370. Disease mechanism: loss of function.
Malignant tumor of breast. Also called: Malignant breast neoplasm; Cancer breast. Identifiers: MedGen C0006142, MONDO:0007254. Disease mechanism: loss of function.

Submissions (11):

Evidence-based Network for the Interpretation of Germline Mutant Alleles (ENIGMA)
Classification: Pathogenic for Breast-ovarian cancer, familial, susceptibility to, 1. Last evaluated: 2016-09-08. Review status: reviewed by expert panel. Criteria: ENIGMA BRCA1/2 Classification Criteria (2015). Collection method: curation. Allele origin: germline.
Comment: Variant allele predicted to encode a truncated non-functional protein.

Labcorp Genetics (formerly Invitae), Labcorp
Classification: Pathogenic for Hereditary breast ovarian cancer syndrome. Last evaluated: 2024-02-05. Review status: criteria provided, single submitter. Criteria: Invitae Variant Classification Sherloc (09022015). Collection method: clinical testing. Allele origin: germline. Not counted in ClinVar's aggregate classification.
Comment: This sequence change creates a premature translational stop signal (p.Tyr1094Ilefs*15) in the BRCA1 gene. It is expected to result in an absent or disrupted protein product. Loss-of-function variants in BRCA1 are known to be pathogenic (PMID: 20104584). This variant is not present in population databases (gnomAD no frequency). This premature translational stop signal has been observed in individual(s) with breast and ovarian cancer (PMID: 11897832, 16683254, 22425665). ClinVar contains an entry for this variant (Variation ID: 54816). For these reasons, this variant has been classified as Pathogenic.

GeneDx
Classification: Pathogenic. Last evaluated: 2021-02-03. Review status: criteria provided, single submitter. Criteria: GeneDx Variant Classification Process June 2021. Collection method: clinical testing. Allele origin: germline. Affected: yes. Not counted in ClinVar's aggregate classification.
Comment: Frameshift variant predicted to result in protein truncation or nonsense mediated decay in a gene for which loss-of-function is a known mechanism of disease; Observed in individuals with breast and/or ovarian cancer (Tazzite 2012, El Ansari 2020); Truncating variants in this gene are considered pathogenic by a well-established clinical consortium and/or database; Not observed in large population cohorts (Lek 2016); Also known as 3398delC; This variant is associated with the following publications: (PMID: 23289006, 16683254, 25814778, 25885115, 23697973, 24606420, 22425665, 32778078, 30263132)

Ambry Genetics
Classification: Pathogenic for Hereditary cancer-predisposing syndrome. Last evaluated: 2017-03-20. Review status: criteria provided, single submitter. Criteria: Ambry Variant Classification Scheme 2023. Collection method: clinical testing. Allele origin: germline. Not counted in ClinVar's aggregate classification.
Comment: The c.3279delC pathogenic mutation, located in coding exon 9 of the BRCA1 gene, results from a deletion of one nucleotide at nucleotide position 3279, causing a translational frameshift with a predicted alternate stop codon (p.Y1094Ifs*15). In addition the clinical data presented in the literature, this alteration is expected to result in loss of function by premature protein truncation or nonsense-mediated mRNA decay. As such, this alteration is interpreted as a disease-causing mutation.

Quest Diagnostics Nichols Institute San Juan Capistrano
Classification: Pathogenic for Breast-ovarian cancer, familial, susceptibility to, 1. Last evaluated: 2016-02-17. Review status: criteria provided, single submitter. Criteria: Quest Diagnostics criteria. Collection method: clinical testing. Allele origin: germline. Inheritance: Autosomal dominant inheritance. Not counted in ClinVar's aggregate classification.

Consortium of Investigators of Modifiers of BRCA1/2 (CIMBA), c/o University of Cambridge
Classification: Pathogenic for Breast-ovarian cancer, familial, susceptibility to, 1. Last evaluated: 2015-10-02. Review status: criteria provided, single submitter. Criteria: CIMBA Mutation Classification guidelines May 2016. Collection method: clinical testing. Allele origin: germline. Not counted in ClinVar's aggregate classification.

Foulkes Cancer Genetics LDI, Lady Davis Institute for Medical Research
Classification: Pathogenic for Breast and/or ovarian cancer. Last evaluated: 2013-08-16. Review status: no assertion criteria provided. Collection method: clinical testing. Allele origin: germline. Study: The Canadian Open Genetics Repository (COGR). Not counted in ClinVar's aggregate classification.

Breast Cancer Information Core (BIC) (BRCA1)
Classification: Pathogenic for Breast-ovarian cancer, familial 1. Last evaluated: 2012-05-24. Review status: no assertion criteria provided. Collection method: clinical testing. Allele origin: germline. Affected: yes. Observed: 1 variant allele. Not counted in ClinVar's aggregate classification.

Clinical Genetics Laboratory, Department of Pathology, Netherlands Cancer Institute
Classification: Pathogenic. Review status: no assertion criteria provided. Collection method: clinical testing. Allele origin: germline. Affected: yes. Study: VKGL Data-share Consensus. Not counted in ClinVar's aggregate classification.

Department of Pathology and Laboratory Medicine, Sinai Health System
Classification: Pathogenic for Malignant tumor of breast. Review status: no assertion criteria provided. Collection method: clinical testing. Allele origin: unknown. Affected: yes. Study: The Canadian Open Genetics Repository (COGR). Not counted in ClinVar's aggregate classification.
Comment: The BRCA1 p.Tyr1094IlefsX15 deletion variant was identified in 2 of 942 proband chromosomes (frequency 0.002) from Moroccan or Dutch breast and/or ovarian cancer families (Tazzite 2012, van der Hout 2006). The variant was also identified in HGMD, UMD (4X as a causal variant), and once in the BIC database as a variant with clinical importance. The p.Tyr1094IlefsX15 deletion variant is predicted to cause a frameshift, which alters the protein's amino acid sequence beginning at codon 1094 and leads to a premature stop codon 15 codons downstream. This alteration is then predicted to result in a truncated or absent protein and loss of function. Loss of function variants of the BRCA1 gene are an established mechanism of disease in hereditary breast and ovarian cancer and is the type of variant expected to cause the disorder. In summary, based on the above information, this variant meets our laboratoryâ€šÃ„Ã´s criteria to be classified as pathogenic.

Diagnostic Laboratory, Department of Genetics, University Medical Center Groningen
Classification: Pathogenic. Review status: no assertion criteria provided. Collection method: clinical testing. Allele origin: germline. Affected: yes. Study: VKGL Data-share Consensus. Not counted in ClinVar's aggregate classification.

Literature cited by the submitters: PubMed 20104584 (cited by Labcorp Genetics (formerly Invitae), Labcorp); PubMed 11897832 (cited by Labcorp Genetics (formerly Invitae), Labcorp); PubMed 16683254 (cited by 3 submitters); PubMed 22425665 (cited by 4 submitters); PubMed 25885115 (cited by Quest Diagnostics Nichols Institute San Juan Capistrano); PubMed 23289006 (cited by Quest Diagnostics Nichols Institute San Juan Capistrano); PubMed 26295337 (cited by Quest Diagnostics Nichols Institute San Juan Capistrano).

NM_007294.4(BRCA1):c.3279del (p.Tyr1094fs)

Genes: BRCA1 (BRCA1 DNA repair associated; minus strand), LOC126862571 (BRD4-independent group 4 enhancer GRCh37_chr17:41243136-41244335; plus strand). Cytogenetic location: 17q21.31.
Variant type: Deletion.
Coding change: c.3279del on transcript NM_007294.4 (MANE Select); coding-DNA position 3279, one base deleted (C; older notation c.3279delC).
Protein change: p.Tyr1094fs; shifts the reading frame from tyrosine 1094.
Molecular consequence: frameshift variant. On other transcripts: intron variant (137).
Genome position (GRCh38, 1-based): chr17:43,092,252, G deleted on the plus strand (C on the coding strand, the reverse complement: BRCA1 is on the minus strand). VCF-style (leftmost placement, unchanged base first): chr17-43092251-AG-A. GRCh37 (hg19) VCF-style: chr17-41244268-AG-A.
Other names: 3398delC; c.3066del, p.Tyr1023fs (NM_001407898.1, NM_001407899.1, NM_001407915.1 and 9 more transcripts); c.3069del, p.Tyr1024fs (NM_001407900.1, NM_001407902.1, NM_001407904.1 and 13 more transcripts); c.3156del, p.Tyr1053fs (NM_001407919.1, NM_001407937.1, NM_001407938.1 and 19 more transcripts); c.3015del, p.Tyr1006fs (NM_001407920.1, NM_001407921.1, NM_001407922.1 and 9 more transcripts); c.3012del, p.Tyr1005fs (NM_001407930.1, NM_001407931.1, NM_001407932.1 and 2 more transcripts); c.3153del, p.Tyr1052fs (NM_001407940.1, NM_001407941.1, NM_001407649.1 and 11 more transcripts); c.3138del, p.Tyr1047fs (NM_001407942.1, NM_001407944.1, NM_001407945.1 and 29 more transcripts); and 42 more; short protein forms Y1047fs, Y1094fs, Y1052fs, Y1053fs, Y1091fs, Y967fs, Y982fs, Y983fs.
Identifiers: ClinVar variation 54816 (VCV000054816.25), dbSNP rs397509050, ClinGen allele CA002116.